The following is an entry in ClinVar:

ClinVar aggregate classification (germline): Benign/Likely benign. Review status: criteria provided, multiple submitters, no conflicts (2 of 4 stars). 3 submissions from 3 submitters: Benign (1); Likely benign (1). 1 of the submissions does not count toward it. Last evaluated 2023-06-06.

Conditions:
LRP10-related disorder. Also called: LRP10-related condition.

Allele frequency attached by ClinVar (database versions not stated): 1000 Genomes Project 30x 0.00297; 1000 Genomes Project 0.00359; TOPMed 0.00487; gnomAD 0.00594; ESP Exome Variant Server 0.00700; ExAC 0.00815.
gnomAD v4.1: 12,691 of 1,613,822 alleles (0.79%); highest among the groups gnomAD compares: Non-Finnish European, 0.88%; 71 homozygotes.

Submissions (3):

Mayo Clinic Laboratories, Mayo Clinic
Classification: Benign. Last evaluated: 2023-06-06. Review status: criteria provided, single submitter. Criteria: ACMG Guidelines, 2015. Collection method: clinical testing. Allele origin: germline. Observed: 9 variant alleles.
Comment: BS1, BS2

CeGaT Center for Human Genetics Tuebingen
Classification: Likely benign. Last evaluated: 2023-02-01. Review status: criteria provided, single submitter. Criteria: CeGaT Center For Human Genetics Tuebingen Variant Classification Criteria Version 2. Collection method: clinical testing. Allele origin: germline. Affected: yes. Observed: 3 variant alleles.
Comment: LRP10: BS2

PreventionGenetics, part of Exact Sciences
Classification: Likely benign for LRP10-related condition. Last evaluated: 2019-03-14. Review status: no assertion criteria provided. Collection method: clinical testing. Allele origin: germline. Not counted in ClinVar's aggregate classification.
Comment: This variant is classified as likely benign based on ACMG/AMP sequence variant interpretation guidelines (Richards et al. 2015 PMID: 25741868, with internal and published modifications).

Literature cited by the submitters: PubMed 33469725 (cited by Mayo Clinic Laboratories, Mayo Clinic); PubMed 35525134 (cited by Mayo Clinic Laboratories, Mayo Clinic).

NM_014045.5(LRP10):c.1685G>A (p.Arg562His)

Gene: LRP10 (LDL receptor related protein 10; plus strand). Cytogenetic location: 14q11.2.
Variant type: single nucleotide variant.
Coding change: c.1685G>A on transcript NM_014045.5 (MANE Select); coding-DNA position 1685, G replaced by A.
Protein change: p.Arg562His; replaces arginine 562 with histidine.
Molecular consequence: missense variant. On other transcripts: intron variant (1).
Genome position (GRCh38, 1-based): chr14:22,877,070, G>A. VCF-style: chr14-22877070-G-A. GRCh37 (hg19) VCF-style: chr14-23346279-G-A.
Other names: p.Arg562His; c.1668+17G>A (NM_001329226.2); c.1685G>A (NM_014045.4); short protein forms R562H.
Identifiers: ClinVar variation 2644083 (VCV002644083.26), dbSNP rs142153001, ClinGen allele CA7105996.
Genomic context (GRCh38, chr14:22,877,070, plus strand): 5'-CAGGTGCCCGCCGTCGTCAGCGGGGCCGCTTGATGCGACGCCTGGTACGCCGTCTCCGCC[G>A]CTGGGGCTTGCTCCCTCGAACCAACACCCCGGCTCGGGCCTCTGAGGCCAGATCCCAGGT-3'
Protein context (NP_054764.2, residues 552-572): LMRRLVRRLR[Arg562His]WGLLPRTNTP